The following is an entry in ClinVar:

NM_000435.3(NOTCH3):c.1988C>T (p.Ser663Phe)

Gene: NOTCH3 (notch receptor 3; minus strand). Cytogenetic location: 19p13.12.
Variant type: single nucleotide variant.
Coding change: c.1988C>T on transcript NM_000435.3 (MANE Select); coding-DNA position 1988, C replaced by T.
Protein change: p.Ser663Phe; replaces serine 663 with phenylalanine.
Molecular consequence: missense variant.
Genome position (GRCh38, 1-based): chr19:15,185,643, G>A on the plus strand (C>T on the coding strand, the complement: NOTCH3 is on the minus strand). VCF-style: chr19-15185643-G-A. GRCh37 (hg19) VCF-style: chr19-15296454-G-A.
Other names: p.Ser663Phe; short protein forms S663F.
Identifiers: ClinVar variation 4542322 (VCV004542322.2).
Genomic context (GRCh38, chr19:15,185,643, plus strand): 5'-CAGAGGCAGCGGAAGCCATTTTCCCCATCCACACAGGAACCTCCCTCGCCGCATGGGCTG[G>A]AAGCACACTCATTGATCTCCACGTTACAAAGGGGCCCTGGGGAGTACACAAGCAATCTCA-3'
Protein context (NP_000426.2, residues 653-673): LCNVEINECA[Ser663Phe]SPCGEGGSCV

ClinVar aggregate classification (germline): Uncertain significance (1 of 4 stars; one submission).

Conditions:
Cerebral arteriopathy, autosomal dominant, with subcortical infarcts and leukoencephalopathy, type 1 (CADASIL1). Also called: CADASIL 1; CASIL; Cerebral arteriopathy with subcortical infarcts and leukoencephalopathy 1; DEMENTIA, HEREDITARY MULTIINFARCT TYPE. Identifiers: Orphanet 136, MedGen C4551768, MONDO:0000914, OMIM 125310.
Lateral meningocele syndrome (LMNS). Also called: NOTCH3-Related Lateral Meningocele Syndrome. Identifiers: Orphanet 2789, MedGen C1851710, MONDO:0007537, OMIM 130720.

gnomAD v4.1: 8 of 1,613,588 alleles (0.0005%); highest among the groups gnomAD compares: Non-Finnish European, 0.00068%; no homozygotes.

Submission:

Mayo Clinic Laboratories, Mayo Clinic
Classification: Uncertain significance. Last evaluated: 2025-02-28. Review status: criteria provided, single submitter. Criteria: ACMG Guidelines, 2015. Collection method: clinical testing. Allele origin: germline. Observed: 1 variant allele.